The following is an entry in ClinVar:

NM_004320.6(ATP2A1):c.553G>A (p.Val185Ile)

Gene: ATP2A1 (ATPase sarcoplasmic/endoplasmic reticulum Ca2+ transporting 1; plus strand). Cytogenetic location: 16p11.2.
Variant type: single nucleotide variant.
Coding change: c.553G>A on transcript NM_004320.6 (MANE Select); coding-DNA position 553, G replaced by A.
Protein change: p.Val185Ile; replaces valine 185 with isoleucine.
Molecular consequence: missense variant.
Genome position (GRCh38, 1-based): chr16:28,887,197, G>A. VCF-style: chr16-28887197-G-A. GRCh37 (hg19) VCF-style: chr16-28898518-G-A.
Other names: c.178G>A, p.Val60Ile (NM_001286075.2); c.553G>A, p.Val185Ile (NM_173201.5); short protein forms V185I, V60I.
Identifiers: ClinVar variation 1461288 (VCV001461288.5), dbSNP rs776334546, ClinGen allele CA7986693.
Genomic context (GRCh38, chr16:28,887,197, plus strand): 5'-CTGGGAGAAGGACATGATGTCATCCGAAAACCCCTTGGCCCCTTCTCCACAGGCGAGTCT[G>A]TATCTGTCATCAAACACACGGAGCCCGTTCCTGACCCCCGAGCTGTCAACCAGGACAAGA-3'
Protein context (NP_004311.1, residues 175-195): VDQSILTGES[Val185Ile]SVIKHTEPVP

ClinVar aggregate classification (germline): Uncertain significance (1 of 4 stars; one submission).

Conditions:
Brody myopathy. Also called: BRODY DISEASE. Identifiers: Orphanet 53347, MedGen C1832918, MONDO:0010977, OMIM 601003.

Allele frequency attached by ClinVar (database versions not stated): gnomAD exomes 0.00001; ExAC 0.00002.

Submission:

Labcorp Genetics (formerly Invitae), Labcorp
Classification: Uncertain significance for Brody myopathy. Last evaluated: 2022-09-01. Review status: criteria provided, single submitter. Criteria: Invitae Variant Classification Sherloc (09022015). Collection method: clinical testing. Allele origin: germline.
Comment: In summary, the available evidence is currently insufficient to determine the role of this variant in disease. Therefore, it has been classified as a Variant of Uncertain Significance. Algorithms developed to predict the effect of missense changes on protein structure and function are either unavailable or do not agree on the potential impact of this missense change (SIFT: "Deleterious"; PolyPhen-2: "Probably Damaging"; Align-GVGD: "Class C0"). ClinVar contains an entry for this variant (Variation ID: 1461288). This variant has not been reported in the literature in individuals affected with ATP2A1-related conditions. This variant is present in population databases (rs776334546, gnomAD 0.003%). This sequence change replaces valine, which is neutral and non-polar, with isoleucine, which is neutral and non-polar, at codon 185 of the ATP2A1 protein (p.Val185Ile).